The following is an entry in ClinVar:

NM_000090.4(COL3A1):c.1863G>A (p.Gly621=)

Gene: COL3A1 (collagen type III alpha 1 chain; plus strand). Cytogenetic location: 2q32.2.
Variant type: single nucleotide variant.
Coding change: c.1863G>A on transcript NM_000090.4 (MANE Select); coding-DNA position 1863, G replaced by A.
Protein change: p.Gly621=; no amino-acid change (glycine 621 retained).
Molecular consequence: synonymous variant.
Genome position (GRCh38, 1-based): chr2:188,997,383, G>A. VCF-style: chr2-188997383-G-A. GRCh37 (hg19) VCF-style: chr2-189862109-G-A.
Identifiers: ClinVar variation 3071903 (VCV003071903.3), dbSNP rs746405669, ClinGen allele CA074745.

ClinVar aggregate classification (germline): Likely benign. Review status: criteria provided, multiple submitters, no conflicts (2 of 4 stars). 2 submissions from 2 submitters: Likely benign (2). Last evaluated 2024-10-08.

Conditions:
Ehlers-Danlos syndrome, type 4 (EDSVASC). Also called: Ehlers-Danlos Syndrome Type IV; Ehlers-Danlos syndrome vascular type; Ehlers Danlos syndrome, ecchymotic type; Ehlers Danlos syndrome, arterial type; Ehlers Danlos syndrome, Sack-Barabas type. Identifiers: Orphanet 286, MedGen C0268338, MONDO:0017314, OMIM 130050.

Allele frequency attached by ClinVar (database versions not stated): TOPMed below 0.00001; ExAC 0.00001; gnomAD 0.00001; gnomAD exomes below 0.00001.
gnomAD v4.1: 5 of 1,613,590 alleles (0.00031%); highest among the groups gnomAD compares: African/African-American, 0.0013%; no homozygotes.

Submissions (2):

Labcorp Genetics (formerly Invitae), Labcorp
Classification: Likely benign for Ehlers-Danlos syndrome, type 4. Last evaluated: 2024-10-08. Review status: criteria provided, single submitter. Criteria: Invitae Variant Classification Sherloc (09022015). Collection method: clinical testing. Allele origin: germline.

All of Us Research Program, National Institutes of Health
Classification: Likely benign for Ehlers-Danlos syndrome, type 4. Last evaluated: 2023-06-26. Review status: criteria provided, single submitter. Criteria: ACMG Guidelines, 2015. Collection method: clinical testing. Allele origin: germline. Inheritance: Autosomal dominant inheritance. Observed: 1 variant allele, 1 heterozygote.
Comment: This study involves interpretation of variants in research participants for the purpose of population health screening. Participant phenotype was not available at the time of variant classification. Additional details can be found in publication PMID: 35346344, PMCID: PMC8962531